The following is an entry in ClinVar:

ClinVar aggregate classification (germline): Conflicting classifications of pathogenicity. Review status: criteria provided, conflicting classifications (1 of 4 stars). 6 submissions from 6 submitters: Uncertain significance (3); Likely benign (2). 1 of the submissions does not count toward it. Last evaluated 2026-01-15.

Conditions:
FANCM-related disorder. Also called: FANCM-related condition.
Hereditary breast ovarian cancer syndrome. Also called: Hereditary breast and ovarian cancer syndrome; Hereditary breast and/or ovarian cancer syndrome; Hereditary breast and ovarian cancer; Breast and ovarian cancer; BRCA1- and BRCA2-Associated Hereditary Breast and Ovarian Cancer; Hereditary breast and ovarian cancer syndrome (HBOC). Identifiers: Orphanet 145, MedGen C0677776, MeSH D061325, MONDO:0003582. Disease mechanism: loss of function.
Fanconi anemia (FA). Also called: Fanconi's anemia. Identifiers: Orphanet 84, MedGen C0015625, MeSH D005199, MONDO:0019391.
Hereditary cancer-predisposing syndrome. Also called: Hereditary neoplastic syndrome; Tumor predisposition; Hereditary Cancer Syndrome; Neoplastic Syndromes, Hereditary. Identifiers: Orphanet 140162, MedGen C0027672, MeSH D009386, MONDO:0015356.

Allele frequency attached by ClinVar (database versions not stated): TOPMed 0.00014; gnomAD 0.00015 and 0.00016; 1000 Genomes Project 30x 0.00016; 1000 Genomes Project 0.00020; gnomAD exomes 0.00029; ExAC 0.00036.
gnomAD v4.1: 130 of 1,582,112 alleles (0.0082%); highest among the groups gnomAD compares: East Asian, 0.14%; no homozygotes.

Submissions (6):

Labcorp Genetics (formerly Invitae), Labcorp
Classification: Likely benign for Fanconi anemia. Last evaluated: 2026-01-15. Review status: criteria provided, single submitter. Criteria: Invitae Variant Classification Sherloc (09022015). Collection method: clinical testing. Allele origin: germline.

Blueprint Genetics
Classification: Likely benign. Last evaluated: 2024-11-20. Review status: criteria provided, single submitter. Criteria: ACMG Guidelines, 2015. Collection method: clinical testing. Allele origin: germline.

GeneDx
Classification: Uncertain significance. Last evaluated: 2023-12-17. Review status: criteria provided, single submitter. Criteria: GeneDx Variant Classification Process June 2021. Collection method: clinical testing. Allele origin: germline.
Comment: In silico analysis supports that this missense variant has a deleterious effect on protein structure/function; Has not been previously published as pathogenic or benign to our knowledge; This variant is associated with the following publications: (PMID: 32566746)

Sema4
Classification: Uncertain significance for Hereditary cancer-predisposing syndrome. Last evaluated: 2021-05-29. Review status: criteria provided, single submitter. Criteria: Sema4 Curation Guidelines. Collection method: curation. Allele origin: germline.
Comment: The FANCM c.4709G>A (p.R1570H) variant has not been reported in the literature to our knowledge. This variant was observed in 65/19886 chromosomes in the East Asian subpopulation of the Genome Aggregation Database (PMID: 32461654). This variant has been reported in ClinVar (Variation ID 313221). In silico tools suggest the impact of the variant on protein function is inconclusive, though these predictions have not been confirmed by functional studies. The overall evidence is insufficient to meet ACMG/AMP criteria for classifying it as benign or pathogenic. In summary, the clinical significance of this variant is currently uncertain.

Cancer Genomics Group, Japanese Foundation For Cancer Research
Classification: Uncertain significance for Hereditary breast and ovarian cancer syndrome. Last evaluated: 2019-05-01. Review status: criteria provided, single submitter. Criteria: ACMG Guidelines, 2015. Collection method: research. Allele origin: germline. Affected: yes.

PreventionGenetics, part of Exact Sciences
Classification: Likely benign for FANCM-related condition. Last evaluated: 2022-12-23. Review status: no assertion criteria provided. Collection method: clinical testing. Allele origin: germline. Not counted in ClinVar's aggregate classification.
Comment: This variant is classified as likely benign based on ACMG/AMP sequence variant interpretation guidelines (Richards et al. 2015 PMID: 25741868, with internal and published modifications).

NM_020937.4(FANCM):c.4709G>A (p.Arg1570His)

Gene: FANCM (FA complementation group M; plus strand). Cytogenetic location: 14q21.2.
Variant type: single nucleotide variant.
Coding change: c.4709G>A on transcript NM_020937.4 (MANE Select); coding-DNA position 4709, G replaced by A.
Protein change: p.Arg1570His; replaces arginine 1570 with histidine.
Molecular consequence: missense variant.
Genome position (GRCh38, 1-based): chr14:45,187,817, G>A. VCF-style: chr14-45187817-G-A. GRCh37 (hg19) VCF-style: chr14-45657020-G-A.
Other names: c.4631G>A, p.Arg1544His (NM_001308133.2); c.4709G>A (LRG_502t1, NM_020937.3); short protein forms R1570H, R1544H.
Identifiers: ClinVar variation 313221 (VCV000313221.20), dbSNP rs201803784, ClinGen allele CA7169843.